The following is an entry in ClinVar:

NM_017849.4(TMEM127):c.657C>T (p.Pro219=)

Gene: TMEM127 (transmembrane protein 127; minus strand). Cytogenetic location: 2q11.2.
Variant type: single nucleotide variant.
Coding change: c.657C>T on transcript NM_017849.4 (MANE Select); coding-DNA position 657, C replaced by T.
Protein change: p.Pro219=; no amino-acid change (proline 219 retained).
Molecular consequence: synonymous variant.
Genome position (GRCh38, 1-based): chr2:96,253,868, G>A on the plus strand (C>T on the coding strand, the complement: TMEM127 is on the minus strand). VCF-style: chr2-96253868-G-A. GRCh37 (hg19) VCF-style: chr2-96919606-G-A.
Other names: c.657C>T, p.Pro219= (NM_001193304.3); c.405C>T, p.Pro135= (NM_001407282.1, NM_001407283.1).
Identifiers: ClinVar variation 1691886 (VCV001691886.9), dbSNP rs1213216357, ClinGen allele CA427807749.

ClinVar aggregate classification (germline): Benign/Likely benign. Review status: criteria provided, multiple submitters, no conflicts (2 of 4 stars). 4 submissions from 4 submitters: Benign (1); Likely benign (3). Last evaluated 2026-07-30.

Conditions:
Hereditary pheochromocytoma and paraganglioma. Also called: Hereditary paragangliomas and pheochromocytomas; Hereditary Paraganglioma-Pheochromocytoma Syndromes; Hereditary pheochromocytoma-paraganglioma. Identifiers: Orphanet 29072, MedGen C4274332, MONDO:0017366.
Hereditary cancer-predisposing syndrome. Also called: Neoplastic Syndromes, Hereditary; Tumor predisposition; Hereditary Cancer Syndrome; Hereditary neoplastic syndrome. Identifiers: Orphanet 140162, MedGen C0027672, MeSH D009386, MONDO:0015356.

Allele frequency attached by ClinVar (database versions not stated): gnomAD exomes below 0.00001 and 0.00001; TOPMed below 0.00001.
gnomAD v4.1: 6 of 1,614,080 alleles (0.00037%); highest among the groups gnomAD compares: Non-Finnish European, 0.00034%; no homozygotes.

Submissions (4):

Myriad Genetics, Inc.
Classification: Benign for Hereditary pheochromocytoma and paraganglioma. Last evaluated: 2026-07-30. Review status: criteria provided, single submitter. Criteria: Myriad Autosomal Dominant, Autosomal Recessive and X-Linked Classification Criteria (2023). Collection method: clinical testing. Allele origin: unknown.
Comment: This variant is considered benign. This variant is a silent/synonymous amino acid change and it is not expected to impact splicing.

Labcorp Genetics (formerly Invitae), Labcorp
Classification: Likely benign for Hereditary pheochromocytoma and paraganglioma. Last evaluated: 2025-06-25. Review status: criteria provided, single submitter. Criteria: Invitae Variant Classification Sherloc (09022015). Collection method: clinical testing. Allele origin: germline.

Sema4
Classification: Likely benign for Hereditary cancer-predisposing syndrome. Last evaluated: 2021-02-22. Review status: criteria provided, single submitter. Criteria: Sema4 Curation Guidelines. Collection method: curation. Allele origin: germline.

Ambry Genetics
Classification: Likely benign for Hereditary cancer-predisposing syndrome. Last evaluated: 2020-03-25. Review status: criteria provided, single submitter. Criteria: Ambry Variant Classification Scheme 2023. Collection method: clinical testing. Allele origin: germline.